The following is an entry in ClinVar:

Conditions:
Breast-ovarian cancer, familial, susceptibility to, 1 (BROVCA1). Also called: BRCA1 Hereditary Breast and Ovarian Cancer; OVARIAN CANCER, SUSCEPTIBILITY TO. Identifiers: Orphanet 145, MedGen C2676676, MONDO:0011450, OMIM 604370. Disease mechanism: loss of function.

Submission:

Brotman Baty Institute, University of Washington
No classification provided (evidence only). Condition: Breast-ovarian cancer, familial 1. Review status: no classification provided. Collection method: in vitro. Allele origin: not applicable. Functional consequence: functionally_normal.
ClinVar note: "not provided" was previously submitted as the classification for the variant. However, the classification appeared to be based only on an observation of functional data so it was converted to no classification on 2025-07-30.

NM_007294.4(BRCA1):c.178C>G (p.Gln60Glu)

Gene: BRCA1 (BRCA1 DNA repair associated; minus strand). Cytogenetic location: 17q21.31.
Variant type: single nucleotide variant.
Coding change: c.178C>G on transcript NM_007294.4 (MANE Select); coding-DNA position 178, C replaced by G.
Protein change: p.Gln60Glu; replaces glutamine 60 with glutamic acid.
Molecular consequence: missense variant. On other transcripts: non-coding transcript variant (1).
Genome position (GRCh38, 1-based): chr17:43,106,490, G>C on the plus strand (C>G on the coding strand, the complement: BRCA1 is on the minus strand). VCF-style: chr17-43106490-G-C. GRCh37 (hg19) VCF-style: chr17-41258507-G-C.
Other names: c.178C>G, p.Gln60Glu (NM_001407634.1, NM_001407635.1, NM_001407636.1 and 168 more transcripts); c.37C>G, p.Gln13Glu (NM_001407692.1, NM_001407694.1, NM_001407695.1 and 99 more transcripts); c.-11C>G (NM_001407886.1, NM_001407887.1, NM_001407889.1 and 58 more transcripts); short protein forms Q13E, Q60E.
Identifiers: ClinVar variation 867305 (VCV000867305.3), dbSNP rs80357471, ClinGen allele CA10601805.